The following is an entry in ClinVar:

ClinVar aggregate classification (germline): Uncertain significance (1 of 4 stars; one submission).

Submission:

CeGaT Center for Human Genetics Tuebingen
Classification: Uncertain significance. Last evaluated: 2025-06-01. Review status: criteria provided, single submitter. Criteria: CeGaT Center For Human Genetics Tuebingen Variant Classification Criteria Version 2. Collection method: clinical testing. Allele origin: germline. Affected: yes. Observed: 1 variant allele.
Comment: ERC1: PM2, BP4

NM_178040.4(ERC1):c.3142C>G (p.Pro1048Ala)

Gene: ERC1 (ELKS/RAB6-interacting/CAST family member 1; plus strand). Cytogenetic location: 12p13.33.
Variant type: single nucleotide variant.
Coding change: c.3142C>G on transcript NM_178040.4 (MANE Select); coding-DNA position 3142, C replaced by G.
Protein change: p.Pro1048Ala; replaces proline 1048 with alanine.
Molecular consequence: missense variant. On other transcripts: non-coding transcript variant (3).
Genome position (GRCh38, 1-based): chr12:1,444,679, C>G. VCF-style: chr12-1444679-C-G. GRCh37 (hg19) VCF-style: chr12-1553845-C-G.
Other names: c.3142C>G, p.Pro1048Ala (NM_001301248.1); c.3058C>G, p.Pro1020Ala (NM_178039.4); short protein forms P1020A, P1048A.
Identifiers: ClinVar variation 3906089 (VCV003906089.10).